The following is an entry in ClinVar:

ClinVar aggregate classification (germline): Uncertain significance (1 of 4 stars; one submission).

Conditions:
PURA-related severe neonatal hypotonia-seizures-encephalopathy syndrome (NEDRIHF). Also called: NEURODEVELOPMENTAL DISORDER WITH NEONATAL RESPIRATORY INSUFFICIENCY, HYPOTONIA, AND FEEDING DIFFICULTIES; PURA-Related Neurodevelopmental Disorders. Identifiers: Orphanet 438213, Orphanet 438216, MedGen C4015357, MONDO:1060108, OMIM 616158, MONDO:0018580.

Submission:

Labcorp Genetics (formerly Invitae), Labcorp
Classification: Uncertain significance for PURA-related severe neonatal hypotonia-seizures-encephalopathy syndrome. Last evaluated: 2018-06-26. Review status: criteria provided, single submitter. Criteria: Invitae Variant Classification Sherloc (09022015). Collection method: clinical testing. Allele origin: germline.
Comment: In summary, the available evidence is currently insufficient to determine the role of this variant in disease. Therefore, it has been classified as a Variant of Uncertain Significance. Algorithms developed to predict the effect of missense changes on protein structure and function do not agree on the potential impact of this missense change (SIFT: "Tolerated"; PolyPhen-2: "Possibly Damaging"; Align-GVGD: "Class C0"). This variant has not been reported in the literature in individuals with PURA-related disease. This variant is not present in population databases (ExAC no frequency). This sequence change replaces glutamic acid with glutamine at codon 212 of the PURA protein (p.Glu212Gln). The glutamic acid residue is highly conserved and there is a small physicochemical difference between glutamic acid and glutamine.

NM_005859.5(PURA):c.634G>C (p.Glu212Gln)

Gene: PURA (purine rich element binding protein A; plus strand). Cytogenetic location: 5q31.3.
Variant type: single nucleotide variant.
Coding change: c.634G>C on transcript NM_005859.5 (MANE Select); coding-DNA position 634, G replaced by C.
Protein change: p.Glu212Gln; replaces glutamic acid 212 with glutamine.
Molecular consequence: missense variant.
Genome position (GRCh38, 1-based): chr5:140,114,815, G>C. VCF-style: chr5-140114815-G-C. GRCh37 (hg19) VCF-style: chr5-139494400-G-C.
Other names: short protein forms E212Q.
Identifiers: ClinVar variation 574986 (VCV000574986.9), dbSNP rs1561793355, ClinGen allele CA361491196.